The following is an entry in ClinVar:

ClinVar aggregate classification (germline): Uncertain significance. Review status: criteria provided, multiple submitters, no conflicts (2 of 4 stars). 2 submissions from 2 submitters: Uncertain significance (2). Last evaluated 2026-08-10.

Conditions:
LSR-related condition.

Allele frequency attached by ClinVar (database versions not stated): ESP Exome Variant Server 0.00008; ExAC 0.00018; gnomAD exomes 0.00022; TOPMed 0.00029; gnomAD 0.00046; 1000 Genomes Project 30x 0.00047; 1000 Genomes Project 0.00060.
gnomAD v4.1: 404 of 1,613,720 alleles (0.025%); highest among the groups gnomAD compares: Admixed American, 0.13%; 1 homozygote.

Submissions (2):

PreventionGenetics, part of Exact Sciences
Classification: Uncertain significance for LSR-related condition. Last evaluated: 2026-08-10. Review status: criteria provided, single submitter. Criteria: ACMG Guidelines, 2015. Collection method: clinical testing. Allele origin: germline.
Comment: The LSR c.1259C>G variant is predicted to result in the amino acid substitution p.Pro420Arg. To our knowledge, this variant has not been reported in the literature. This variant is reported in 0.079% of alleles in individuals of Latino descent in gnomAD. Although we suspect that this variant may be benign, at this time, the clinical significance of this variant is uncertain due to the absence of conclusive functional and genetic evidence.

Labcorp Genetics (formerly Invitae), Labcorp
Classification: Uncertain significance. Last evaluated: 2025-08-15. Review status: criteria provided, single submitter. Criteria: Invitae Variant Classification Sherloc (09022015). Collection method: clinical testing. Allele origin: germline.
Comment: This sequence change replaces proline, which is neutral and non-polar, with arginine, which is basic and polar, at codon 420 of the LSR protein (p.Pro420Arg). This variant is present in population databases (rs200768555, gnomAD 0.08%), and has an allele count higher than expected for a pathogenic variant. This variant has not been reported in the literature in individuals affected with LSR-related conditions. ClinVar contains an entry for this variant (Variation ID: 2713760). An algorithm developed to predict the effect of missense changes on protein structure and function outputs the following: PolyPhen-2: "Benign". The arginine amino acid residue is found in multiple mammalian species, which suggests that this missense change does not adversely affect protein function. In summary, the available evidence is currently insufficient to determine the role of this variant in disease. Therefore, it has been classified as a Variant of Uncertain Significance.

NM_205834.4(LSR):c.1115C>G (p.Pro372Arg)

Gene: LSR (lipolysis stimulated lipoprotein receptor; plus strand). Cytogenetic location: 19q13.12.
Variant type: single nucleotide variant.
Coding change: c.1115C>G on transcript NM_205834.4 (MANE Select); coding-DNA position 1115, C replaced by G.
Protein change: p.Pro372Arg; replaces proline 372 with arginine.
Molecular consequence: missense variant.
Genome position (GRCh38, 1-based): chr19:35,266,938, C>G. VCF-style: chr19-35266938-C-G. GRCh37 (hg19) VCF-style: chr19-35757841-C-G.
Other names: c.1055C>G, p.Pro352Arg (NM_001260489.2); c.791C>G, p.Pro264Arg (NM_001260490.2); c.908C>G, p.Pro303Arg (NM_001385215.1); c.1058C>G, p.Pro353Arg (NM_015925.7); c.911C>G, p.Pro304Arg (NM_205835.4); c.1259C>G (NM_205834.3); short protein forms P304R, P303R, P353R, P352R, P372R, P264R.
Identifiers: ClinVar variation 2713760 (VCV002713760.4), dbSNP rs200768555, ClinGen allele CA9374977.